The following is an entry in ClinVar:

ClinVar aggregate classification (germline): Uncertain significance (1 of 4 stars; one submission).

Conditions:
Hereditary nonpolyposis colorectal neoplasms. Identifiers: MedGen C0009405, MeSH D003123.

Submission:

Labcorp Genetics (formerly Invitae), Labcorp
Classification: Uncertain significance for Hereditary nonpolyposis colorectal neoplasms. Last evaluated: 2023-06-09. Review status: criteria provided, single submitter. Criteria: Invitae Variant Classification Sherloc (09022015). Collection method: clinical testing. Allele origin: germline.
Comment: This variant has not been reported in the literature in individuals affected with PMS2-related conditions. Advanced modeling of protein sequence and biophysical properties (such as structural, functional, and spatial information, amino acid conservation, physicochemical variation, residue mobility, and thermodynamic stability) performed at Invitae indicates that this missense variant is not expected to disrupt PMS2 protein function. In summary, the available evidence is currently insufficient to determine the role of this variant in disease. Therefore, it has been classified as a Variant of Uncertain Significance. This sequence change replaces lysine, which is basic and polar, with asparagine, which is neutral and polar, at codon 399 of the PMS2 protein (p.Lys399Asn). This variant is not present in population databases (gnomAD no frequency).

NM_000535.7(PMS2):c.1197G>C (p.Lys399Asn)

Gene: PMS2 (PMS1 homolog 2, mismatch repair system component; minus strand). Cytogenetic location: 7p22.1.
Variant type: single nucleotide variant.
Coding change: c.1197G>C on transcript NM_000535.7 (MANE Select); coding-DNA position 1197, G replaced by C.
Protein change: p.Lys399Asn; replaces lysine 399 with asparagine.
Molecular consequence: missense variant. On other transcripts: non-coding transcript variant (1), intron variant (1).
Genome position (GRCh38, 1-based): chr7:5,987,568, C>G on the plus strand (G>C on the coding strand, the complement: PMS2 is on the minus strand). VCF-style: chr7-5987568-C-G. GRCh37 (hg19) VCF-style: chr7-6027199-C-G.
Other names: c.792G>C, p.Lys264Asn (NM_001406892.1, NM_001406893.1, NM_001406894.1 and 17 more transcripts); c.732G>C, p.Lys244Asn (NM_001406900.1); c.1041G>C, p.Lys347Asn (NM_001322006.2, NM_001406870.1); c.879G>C, p.Lys293Asn (NM_001322007.2, NM_001322008.2, NM_001406876.1 and 2 more transcripts); c.636G>C, p.Lys212Asn (NM_001322010.2, NM_001406906.1, NM_001406907.1); c.264G>C, p.Lys88Asn (NM_001322011.2, NM_001322012.2); c.999G>C, p.Lys333Asn (NM_001406873.1); c.1029G>C, p.Lys343Asn (NM_001406874.1); and 13 more; short protein forms K142N, K277N, K88N, K264N, K333N, K407N, K461N, K208N.
Identifiers: ClinVar variation 2702269 (VCV002702269.3), dbSNP rs757730609, ClinGen allele CA366742587.